The following is an entry in ClinVar:

ClinVar aggregate classification (germline): Pathogenic. Review status: criteria provided, multiple submitters, no conflicts (2 of 4 stars). 2 submissions from 2 submitters: Pathogenic (2). Last evaluated 2024-10-29.

Conditions:
Cardiovascular phenotype. Identifiers: MedGen CN230736.

Submissions (2):

Ambry Genetics
Classification: Pathogenic for Cardiovascular phenotype. Last evaluated: 2024-10-29. Review status: criteria provided, single submitter. Criteria: Ambry Variant Classification Scheme 2023. Collection method: clinical testing. Allele origin: germline.
Comment: The p.E176* pathogenic mutation (also known as c.526G>T), located in coding exon 1 of the ZNF469 gene, results from a G to T substitution at nucleotide position 526. This changes the amino acid from a glutamic acid to a stop codon within coding exon 1. This variant is considered to be rare based on population cohorts in the Genome Aggregation Database (gnomAD). This alteration is expected to result in loss of function by premature protein truncation or nonsense-mediated mRNA decay. As such, this alteration is interpreted as a disease-causing mutation.

Labcorp Genetics (formerly Invitae), Labcorp
Classification: Pathogenic. Last evaluated: 2023-07-09. Review status: criteria provided, single submitter. Criteria: Invitae Variant Classification Sherloc (09022015). Collection method: clinical testing. Allele origin: germline.
Comment: This sequence change creates a premature translational stop signal (p.Glu176*) in the ZNF469 gene. It is expected to result in an absent or disrupted protein product. Loss-of-function variants in ZNF469 are known to be pathogenic (PMID: 23642083, 23680354). This variant is not present in population databases (gnomAD no frequency). This variant has not been reported in the literature in individuals affected with ZNF469-related conditions. ClinVar contains an entry for this variant (Variation ID: 2033690). For these reasons, this variant has been classified as Pathogenic.

Literature cited by the submitters: PubMed 23642083 (cited by Labcorp Genetics (formerly Invitae), Labcorp); PubMed 23680354 (cited by Labcorp Genetics (formerly Invitae), Labcorp).

NM_001367624.2(ZNF469):c.526G>T (p.Glu176Ter)

Gene: ZNF469 (zinc finger protein 469; plus strand). Cytogenetic location: 16q24.2.
Variant type: single nucleotide variant.
Coding change: c.526G>T on transcript NM_001367624.2 (MANE Select); coding-DNA position 526, G replaced by T.
Protein change: p.Glu176Ter; replaces glutamic acid 176 with a stop codon.
Molecular consequence: nonsense.
Genome position (GRCh38, 1-based): chr16:88,427,996, G>T. VCF-style: chr16-88427996-G-T. GRCh37 (hg19) VCF-style: chr16-88494404-G-T.
Other names: NM_001127464.1:c.526G>T; short protein forms E176*.
Identifiers: ClinVar variation 2033690 (VCV002033690.5), dbSNP rs761379794, ClinGen allele CA397060475.
Genomic context (GRCh38, chr16:88,427,996, plus strand): 5'-CCTGGGACTGGAGCTCCACTCAGGCCGGGCCTCCCAAGGACTGAGGCCCAACCCGCCGCC[G>T]AAGAGCTTGGCTTCCACAGGTGCTTCCAGGAGCCACCCTCCAGCTTTACCTCCACCAACT-3'